The following is an entry in ClinVar:

NM_007078.3(LDB3):c.385A>T (p.Ser129Cys)

Gene: LDB3 (LIM domain binding 3; plus strand). Cytogenetic location: 10q23.2.
Variant type: single nucleotide variant.
Coding change: c.385A>T on transcript NM_007078.3 (MANE Select); coding-DNA position 385, A replaced by T.
Protein change: p.Ser129Cys; replaces serine 129 with cysteine.
Molecular consequence: missense variant. On other transcripts: intron variant (5).
Genome position (GRCh38, 1-based): chr10:86,681,499, A>T. VCF-style: chr10-86681499-A-T. GRCh37 (hg19) VCF-style: chr10-88441256-A-T.
Other names: c.385A>T, p.Ser129Cys (NM_001080115.2, NM_001171610.2, NM_001171611.2 and 3 more transcripts); c.321+1342A>T (NM_001368068.1, NM_001368066.1, NM_001080114.2 and 2 more transcripts); short protein forms S129C.
Identifiers: ClinVar variation 3716310 (VCV003716310.2).
Genomic context (GRCh38, chr10:86,681,499, plus strand): 5'-CCCGCTCTGGACACGAACGGCAGCCTGGTGGCACCCAGCCCCAGCCCTGAGGCGAGGGCC[A>T]GCCCAGGCACCCCAGGCACCCCGGAGCTCAGGCCCACCTTTAGCCCTGCCTTCTCCCGGC-3'
Protein context (NP_009009.1, residues 119-139): APSPSPEARA[Ser129Cys]PGTPGTPELR

ClinVar aggregate classification (germline): Uncertain significance (1 of 4 stars; one submission).

Conditions:
Myofibrillar myopathy 4. Also called: Zaspopathy (type). Identifiers: Orphanet 98912, MedGen C4721886, MONDO:0012277, OMIM 609452.

Submission:

Labcorp Genetics (formerly Invitae), Labcorp
Classification: Uncertain significance for Myofibrillar myopathy 4. Last evaluated: 2024-06-21. Review status: criteria provided, single submitter. Criteria: Invitae Variant Classification Sherloc (09022015). Collection method: clinical testing. Allele origin: germline.
Comment: The LDB3 gene has multiple clinically relevant transcripts. This variant occurs in alternate transcript NM_007078.3, and corresponds to NM_001080116.1:c.321+1342A>T in the primary transcript. This sequence change replaces serine, which is neutral and polar, with cysteine, which is neutral and slightly polar, at codon 129 of the LDB3 protein ( p.Ser129Cys). This variant is not present in population databases (gnomAD no frequency). This variant has not been reported in the literature in individuals affected with LDB3-related conditions. Experimental studies and prediction algorithms are not available or were not evaluated, and the functional significance of this variant is currently unknown. Algorithms developed to predict the effect of sequence changes on RNA splicing suggest that this variant is not likely to affect RNA splicing. In summary, the available evidence is currently insufficient to determine the role of this variant in disease. Therefore, it has been classified as a Variant of Uncertain Significance.